The following is an entry in ClinVar:

NM_002204.4(ITGA3):c.929C>T (p.Ala310Val)

Gene: ITGA3 (integrin subunit alpha 3; plus strand). Cytogenetic location: 17q21.33.
Variant type: single nucleotide variant.
Coding change: c.929C>T on transcript NM_002204.4 (MANE Select); coding-DNA position 929, C replaced by T.
Protein change: p.Ala310Val; replaces alanine 310 with valine.
Molecular consequence: missense variant.
Genome position (GRCh38, 1-based): chr17:50,071,488, C>T. VCF-style: chr17-50071488-C-T. GRCh37 (hg19) VCF-style: chr17-48148852-C-T.
Other names: p.Ala310Val; short protein forms A310V.
Identifiers: ClinVar variation 782041 (VCV000782041.41), dbSNP rs61730088, ClinGen allele CA8641378.

ClinVar aggregate classification (germline): Benign/Likely benign. Review status: criteria provided, multiple submitters, no conflicts (2 of 4 stars). 7 submissions from 7 submitters: Benign (2); Likely benign (3). 2 of the submissions do not count toward it. Last evaluated 2026-02-01.

Allele frequency attached by ClinVar (database versions not stated): 1000 Genomes Project 30x 0.00203; 1000 Genomes Project 0.00220; gnomAD exomes 0.00408 and 0.00581; ExAC 0.00434; TOPMed 0.00439; gnomAD 0.00464 and 0.00476; ESP Exome Variant Server 0.00492.
gnomAD v4.1: 9,243 of 1,611,252 alleles (0.57%); highest among the groups gnomAD compares: Non-Finnish European, 0.68%; 33 homozygotes.

Submissions (7):

Labcorp Genetics (formerly Invitae), Labcorp
Classification: Benign. Last evaluated: 2026-02-01. Review status: criteria provided, single submitter. Criteria: Invitae Variant Classification Sherloc (09022015). Collection method: clinical testing. Allele origin: germline.

CeGaT Center for Human Genetics Tuebingen
Classification: Likely benign. Last evaluated: 2025-09-01. Review status: criteria provided, single submitter. Criteria: CeGaT Center For Human Genetics Tuebingen Variant Classification Criteria Version 2. Collection method: clinical testing. Allele origin: germline. Affected: yes. Observed: 6 variant alleles.
Comment: ITGA3: BS2

Mayo Clinic Laboratories, Mayo Clinic
Classification: Likely benign. Last evaluated: 2025-04-16. Review status: criteria provided, single submitter. Criteria: ACMG Guidelines, 2015. Collection method: clinical testing. Allele origin: germline. Observed: 1 variant allele.
Comment: BS1, BP4_moderate

Blueprint Genetics
Classification: Likely benign. Last evaluated: 2024-11-26. Review status: criteria provided, single submitter. Criteria: ACMG Guidelines, 2015. Collection method: clinical testing. Allele origin: germline.

Breakthrough Genomics
Classification: Benign. Review status: criteria provided, single submitter. Criteria: ACMG Guidelines, 2015. Collection method: not provided. Allele origin: germline. Inheritance: Autosomal recessive inheritance. Affected: yes.

Diagnostic Laboratory, Department of Genetics, University Medical Center Groningen
Classification: Likely benign. Review status: no assertion criteria provided. Collection method: clinical testing. Allele origin: germline. Affected: yes. Study: VKGL Data-share Consensus. Not counted in ClinVar's aggregate classification.

Genome Diagnostics Laboratory, University Medical Center Utrecht
Classification: Likely benign. Review status: no assertion criteria provided. Collection method: clinical testing. Allele origin: germline. Affected: yes. Study: VKGL Data-share Consensus. Not counted in ClinVar's aggregate classification.